The following is an entry in ClinVar:

NM_016580.4(PCDH12):c.3404C>T (p.Ala1135Val)

Gene: PCDH12 (protocadherin 12; minus strand). Cytogenetic location: 5q31.3.
Variant type: single nucleotide variant.
Coding change: c.3404C>T on transcript NM_016580.4 (MANE Select); coding-DNA position 3404, C replaced by T.
Protein change: p.Ala1135Val; replaces alanine 1135 with valine.
Molecular consequence: missense variant.
Genome position (GRCh38, 1-based): chr5:141,945,532, G>A on the plus strand (C>T on the coding strand, the complement: PCDH12 is on the minus strand). VCF-style: chr5-141945532-G-A. GRCh37 (hg19) VCF-style: chr5-141325097-G-A.
Other names: p.Ala1135Val; c.3404C>T (NM_016580.3, NM_016580.2); short protein forms A1135V.
Identifiers: ClinVar variation 2148455 (VCV002148455.9), dbSNP rs199928581, ClinGen allele CA3483967.
Genomic context (GRCh38, chr5:141,945,532, plus strand): 5'-GCTGCACTGGTGGCCAAGTCTAAACTGAGGGTCCTCCCGCAGACCGAGAGCCGCCGCAGC[G>A]CCTCGGAGGCGGCCTCCACGGGCATGCTGGAGCGCTGTTCCAGCAGCATCTCCAGCAGTG-3'
Protein context (NP_057664.1, residues 1125-1145): SSMPVEAASE[Ala1135Val]LRRLSVCGRT

ClinVar aggregate classification (germline): Conflicting classifications of pathogenicity. Review status: criteria provided, conflicting classifications (1 of 4 stars). 4 submissions from 4 submitters: Uncertain significance (1); Likely benign (3). Last evaluated 2025-10-02.

Conditions:
Diencephalic-mesencephalic junction dysplasia syndrome 1 (DMJDS1). Also called: Microcephaly with spastic quadriplegia. Identifiers: MedGen C4538630, MONDO:0009625, OMIM 251280.
Inborn genetic diseases. Identifiers: MedGen C0950123, MeSH D030342.

Allele frequency attached by ClinVar (database versions not stated): ESP Exome Variant Server 0.00008; gnomAD exomes 0.00009; TOPMed 0.00009; ExAC 0.00011; gnomAD 0.00006.

Submissions (4):

Labcorp Genetics (formerly Invitae), Labcorp
Classification: Likely benign. Last evaluated: 2025-10-02. Review status: criteria provided, single submitter. Criteria: Invitae Variant Classification Sherloc (09022015). Collection method: clinical testing. Allele origin: germline.

Mayo Clinic Laboratories, Mayo Clinic
Classification: Likely benign. Last evaluated: 2025-06-26. Review status: criteria provided, single submitter. Criteria: ACMG Guidelines, 2015. Collection method: clinical testing. Allele origin: germline. Observed: 1 variant allele.
Comment: BS2, BP4_moderate

Revvity Omics, Revvity
Classification: Uncertain significance for Diencephalic-mesencephalic junction dysplasia syndrome 1. Last evaluated: 2022-10-08. Review status: criteria provided, single submitter. Criteria: ACMG Guidelines, 2015. Collection method: clinical testing. Allele origin: germline.

Ambry Genetics
Classification: Likely benign for Inborn genetic diseases. Last evaluated: 2022-05-11. Review status: criteria provided, single submitter. Criteria: Ambry Variant Classification Scheme 2023. Collection method: clinical testing. Allele origin: germline.